The following is an entry in ClinVar:

NM_001267550.2(TTN):c.8991C>A (p.Ile2997=)

Gene: TTN (titin; minus strand). Cytogenetic location: 2q31.2.
Variant type: single nucleotide variant.
Coding change: c.8991C>A on transcript NM_001267550.2 (MANE Select); coding-DNA position 8991, C replaced by A.
Protein change: p.Ile2997=; no amino-acid change (isoleucine 2997 retained).
Molecular consequence: synonymous variant.
Genome position (GRCh38, 1-based): chr2:178,768,845, G>T on the plus strand (C>A on the coding strand, the complement: TTN is on the minus strand). VCF-style: chr2-178768845-G-T. GRCh37 (hg19) VCF-style: chr2-179633572-G-T.
Other names: c.8991C>A, p.Ile2997= (NM_133378.4, NM_001256850.1, NM_133379.5); c.8853C>A, p.Ile2951= (NM_003319.4, NM_133432.3, NM_133437.4).
Identifiers: ClinVar variation 893187 (VCV000893187.13), dbSNP rs757524187, ClinGen allele CA2004465.
Genomic context (GRCh38, chr2:178,768,845, plus strand): 5'-TCTCATCTGGCACTTGTCAGTTGATTTGATTTCCACACCATTCTTTAACCATTTGTAAGA[G>T]ATGCCTTCATAGTTCACTGTCACCTCAAAAGTAATAGTGTCTTTTTCTTCAGCGTTGATG-3'
Protein context (NP_001254479.2, residues 2987-3007): TFEVTVNYEG[Ile2997=]SYKWLKNGVE

ClinVar aggregate classification (germline): Conflicting classifications of pathogenicity. Review status: criteria provided, conflicting classifications (1 of 4 stars). 7 submissions from 3 submitters: Uncertain significance (3); Benign (2); Likely benign (2). Last evaluated 2025-09-15.

Conditions:
Cardiovascular phenotype. Identifiers: MedGen CN230736.
Autosomal recessive limb-girdle muscular dystrophy type 2J (LGMDR10). Also called: Limb-girdle muscular dystrophy, type 2J; MUSCULAR DYSTROPHY, LIMB-GIRDLE, AUTOSOMAL RECESSIVE 10. Identifiers: Orphanet 140922, MedGen C1837342, MONDO:0012127, OMIM 608807.
Dilated cardiomyopathy 1G (CMD1G). Identifiers: Orphanet 154, MedGen C1858763, MONDO:0011400, OMIM 604145.
Early-onset myopathy with fatal cardiomyopathy (CMYO5). Also called: CONGENITAL MYOPATHY 5 WITH CARDIOMYOPATHY; Salih Myopathy. Identifiers: Orphanet 289377, MedGen C2673677, MONDO:0012714, OMIM 611705. Disease mechanism: loss of function.
Tibial muscular dystrophy (TMD). Also called: Tibial muscular dystrophy, tardive; UDD MYOPATHY; Udd Distal Myopathy – Tibial Muscular Dystrophy. Identifiers: Orphanet 609, MedGen C1838244, MONDO:0010870, OMIM 600334.
Myopathy, myofibrillar, 9, with early respiratory failure (MFM9). Also called: EDSTROM MYOPATHY; MYOPATHY, PROXIMAL, WITH EARLY RESPIRATORY MUSCLE INVOLVEMENT; Myopathy, distal, with early respiratory failure, autosomal dominant; Hereditary myopathy with early respiratory failure. Identifiers: Orphanet 178464, Orphanet 34521, MedGen C1863599, MONDO:0011362, OMIM 603689.

Allele frequency attached by ClinVar (database versions not stated): gnomAD 0.00001; TOPMed 0.00001; ExAC 0.00002; gnomAD exomes 0.00002.
gnomAD v4.1: 23 of 1,613,956 alleles (0.0014%); highest among the groups gnomAD compares: East Asian, 0.049%; no homozygotes.

Submissions (7):

Labcorp Genetics (formerly Invitae), Labcorp
Classification: Likely benign for Dilated cardiomyopathy 1G; Autosomal recessive limb-girdle muscular dystrophy type 2J. Last evaluated: 2025-09-15. Review status: criteria provided, single submitter. Criteria: Invitae Variant Classification Sherloc (09022015). Collection method: clinical testing. Allele origin: germline.

Ambry Genetics
Classification: Likely benign for Cardiovascular phenotype. Last evaluated: 2022-04-25. Review status: criteria provided, single submitter. Criteria: Ambry Variant Classification Scheme 2023. Collection method: clinical testing. Allele origin: germline.

Illumina Laboratory Services, Illumina
Classification: Uncertain significance for Dilated cardiomyopathy 1G. Last evaluated: 2018-01-13. Review status: criteria provided, single submitter. Criteria: ICSL Variant Classification Criteria 13 December 2019. Collection method: clinical testing. Allele origin: germline.

Illumina Laboratory Services, Illumina
Classification: Benign for Tibial muscular dystrophy. Last evaluated: 2018-01-13. Review status: criteria provided, single submitter. Criteria: ICSL Variant Classification Criteria 13 December 2019. Collection method: clinical testing. Allele origin: germline.
Comment: This variant was observed in the ICSL laboratory as part of a predisposition screen in an ostensibly healthy population. It had not been previously curated by ICSL or reported in the Human Gene Mutation Database (HGMD: prior to June 1st, 2018), and was therefore a candidate for classification through an automated scoring system. Utilizing variant allele frequency, disease prevalence and penetrance estimates, and inheritance mode, an automated score was calculated to assess if this variant is too frequent to cause the disease. Based on the score and internal cut-off values, a variant classified as benign is not then subjected to further curation. The score for this variant resulted in a classification of benign for this disease.

Illumina Laboratory Services, Illumina
Classification: Benign for Myopathy, myofibrillar, 9, with early respiratory failure. Last evaluated: 2018-01-13. Review status: criteria provided, single submitter. Criteria: ICSL Variant Classification Criteria 13 December 2019. Collection method: clinical testing. Allele origin: germline.
Comment: the same text as in the submission from Illumina Laboratory Services, Illumina above.

Illumina Laboratory Services, Illumina
Classification: Uncertain significance for Autosomal recessive limb-girdle muscular dystrophy type 2J. Last evaluated: 2018-01-13. Review status: criteria provided, single submitter. Criteria: ICSL Variant Classification Criteria 13 December 2019. Collection method: clinical testing. Allele origin: germline.

Illumina Laboratory Services, Illumina
Classification: Uncertain significance for Early-onset myopathy with fatal cardiomyopathy. Last evaluated: 2018-01-13. Review status: criteria provided, single submitter. Criteria: ICSL Variant Classification Criteria 13 December 2019. Collection method: clinical testing. Allele origin: germline.